The following is an entry in ClinVar:

ClinVar aggregate classification (germline): Likely pathogenic. Review status: criteria provided, multiple submitters, no conflicts (2 of 4 stars). 2 submissions from 2 submitters: Likely pathogenic (2). Last evaluated 2026-08-06.

Submissions (2):

OLLIN Analises Genomicas, OLLIN
Classification: Likely pathogenic. Last evaluated: 2026-08-06. Review status: criteria provided, single submitter. Criteria: ACMG Guidelines 2015 PMID 25741868. Collection method: clinical testing. Allele origin: germline.
Comment: This frameshift variant, located in exon 22 (of 23), is absent from gnomAD and ClinVar and has not been identified in the literature. This variant causes a frameshift and introduces a premature stop codon, which is predicted to result in either a truncated protein or degradation of the mRNA via nonsense-mediated decay (NMD). According to the currently available evidence, this variant has been classified as likely pathogenic (PVS1, PM2_P).

Dasa
Classification: Likely pathogenic. Last evaluated: 2025-01-20. Review status: criteria provided, single submitter. Criteria: DASA Assertion Criteria. Collection method: clinical testing. Allele origin: germline.
Comment: NM_198428.3(BBS9):c.2540del (p.Pro847Glnfs*5) is a frameshift variant in BBS9 predicted to alter the reading frame and introduce a premature termination codon and is predicted to result in an absent or altered protein product. Loss of function is an established disease mechanism for BBS9-associated disorders. Also, this variant is absent from population databases. Based on the currently available evidence, this variant is classified as likely pathogenic.

NM_198428.3(BBS9):c.2540del (p.Pro847fs)

Gene: BBS9 (Bardet-Biedl syndrome 9; plus strand). Cytogenetic location: 7p14.3.
Variant type: Deletion.
Coding change: c.2540del on transcript NM_198428.3 (MANE Select); coding-DNA position 2540, one base deleted (C; older notation c.2540delC).
Protein change: p.Pro847fs; shifts the reading frame from proline 847.
Molecular consequence: frameshift variant. On other transcripts: non-coding transcript variant (3), intron variant (1).
Genome position (GRCh38, 1-based): chr7:33,604,883, C deleted; the last of 3 consecutive C bases (chr7:33,604,881-33,604,883); deleting any one gives the same sequence. VCF-style (leftmost placement, unchanged base first): chr7-33604880-TC-T. GRCh37 (hg19) VCF-style: chr7-33644492-TC-T.
Other names: c.2267del, p.Pro756fs (NM_001348038.3); c.2162del, p.Pro721fs (NM_001348039.3); c.2420del, p.Pro807fs (NM_001348040.3, NM_014451.4); c.2540del, p.Pro847fs (NM_001348041.4, NM_001348043.3, NM_001348036.1); c.2405del, p.Pro802fs (NM_001348042.3); c.2069del, p.Pro690fs (NM_001348044.3); c.2174del, p.Pro725fs (NM_001348045.3, NM_001348046.3); c.2435del, p.Pro812fs (NM_001033604.2); and 3 more; short protein forms P664fs, P690fs, P721fs, P725fs, P756fs, P802fs, P807fs, P812fs.
Identifiers: ClinVar variation 4884258 (VCV004884258.3).